The following is an entry in ClinVar:

NM_001943.5(DSG2):c.82-17A>G

Gene: DSG2 (desmoglein 2; plus strand). Cytogenetic location: 18q12.1.
Variant type: single nucleotide variant.
Coding change: c.82-17A>G on transcript NM_001943.5 (MANE Select); 17 bases into the intron before coding-DNA position 82, A replaced by G.
Molecular consequence: intron variant.
Genome position (GRCh38, 1-based): chr18:31,519,786, A>G. VCF-style: chr18-31519786-A-G. GRCh37 (hg19) VCF-style: chr18-29099749-A-G.
Identifiers: ClinVar variation 1435661 (VCV001435661.7), dbSNP rs757764234, ClinGen allele CA050080.

ClinVar aggregate classification (germline): Conflicting classifications of pathogenicity. Review status: criteria provided, conflicting classifications (1 of 4 stars). 2 submissions from 2 submitters: Uncertain significance (1); Likely benign (1). Last evaluated 2026-01-19.

Conditions:
Arrhythmogenic right ventricular dysplasia 10. Also called: Arrhythmogenic right ventricular dysplasia/cardiomyopathy, type 10; Arrhythmogenic Right Ventricular Dysplasia/Cardiomyopathy10; ARRHYTHMOGENIC RIGHT VENTRICULAR DYSPLASIA, FAMILIAL, 10. Identifiers: MedGen C1857777, MONDO:0012434, OMIM 610193.

Allele frequency attached by ClinVar (database versions not stated): gnomAD exomes below 0.00001; ExAC 0.00001; gnomAD 0.00002; TOPMed 0.00002.
gnomAD v4.1: 10 of 1,613,298 alleles (0.00062%); highest among the groups gnomAD compares: Non-Finnish European, 0.00042%; no homozygotes.

Submissions (2):

Labcorp Genetics (formerly Invitae), Labcorp
Classification: Uncertain significance for Arrhythmogenic right ventricular dysplasia 10. Last evaluated: 2026-01-19. Review status: criteria provided, single submitter. Criteria: Invitae Variant Classification Sherloc (09022015). Collection method: clinical testing. Allele origin: germline.
Comment: This sequence change falls in intron 2 of the DSG2 gene. It does not directly change the encoded amino acid sequence of the DSG2 protein. This variant is present in population databases (rs757764234, gnomAD 0.0009%). This variant has not been reported in the literature in individuals affected with DSG2-related conditions. ClinVar contains an entry for this variant (Variation ID: 1435661). Algorithms developed to predict the effect of sequence changes on RNA splicing suggest that this variant may disrupt the consensus splice site. In summary, the available evidence is currently insufficient to determine the role of this variant in disease. Therefore, it has been classified as a Variant of Uncertain Significance.

Blueprint Genetics
Classification: Likely benign. Last evaluated: 2024-02-12. Review status: criteria provided, single submitter. Criteria: ACMG Guidelines, 2015. Collection method: clinical testing. Allele origin: germline.